The following is an entry in ClinVar:

ClinVar aggregate classification (germline): Uncertain significance (1 of 4 stars; one submission).

Conditions:
Hereditary cancer-predisposing syndrome. Also called: Tumor predisposition; Hereditary Cancer Syndrome; Neoplastic Syndromes, Hereditary; Hereditary neoplastic syndrome. Identifiers: Orphanet 140162, MedGen C0027672, MeSH D009386, MONDO:0015356.

Submission:

Ambry Genetics
Classification: Uncertain significance for Hereditary cancer-predisposing syndrome. Last evaluated: 2024-08-02. Review status: criteria provided, single submitter. Criteria: Ambry Variant Classification Scheme 2023. Collection method: clinical testing. Allele origin: germline.
Comment: The p.R29Q variant (also known as c.86G>A), located in coding exon 1 of the CDKN2A (p14ARF) gene, results from a G to A substitution at nucleotide position 86. The arginine at codon 29 is replaced by glutamine, an amino acid with highly similar properties. This amino acid position is well conserved in available vertebrate species. Based on the available evidence, the clinical significance of this variant remains unclear.

NM_058195.4(CDKN2A):c.86G>A (p.Arg29Gln)

Gene: CDKN2A (cyclin dependent kinase inhibitor 2A; minus strand). Cytogenetic location: 9p21.3.
Variant type: single nucleotide variant.
Coding change: c.86G>A on transcript NM_058195.4 (MANE Plus Clinical); coding-DNA position 86, G replaced by A.
Protein change: p.Arg29Gln; replaces arginine 29 with glutamine.
Molecular consequence: missense variant. On other transcripts: intron variant (1).
Genome position (GRCh38, 1-based): chr9:21,994,246, C>T on the plus strand (G>A on the coding strand, the complement: CDKN2A is on the minus strand). VCF-style: chr9-21994246-C-T. GRCh37 (hg19) VCF-style: chr9-21994245-C-T.
Other names: c.-4+575G>A (NM_001363763.2); short protein forms R29Q.
Identifiers: ClinVar variation 3489649 (VCV003489649.1).